The following is an entry in ClinVar:

ClinVar aggregate classification (germline): Uncertain significance (1 of 4 stars; one submission).

Conditions:
CHRNA4-related disorder. Also called: CHRNA4-related condition.

Submission:

PreventionGenetics, part of Exact Sciences
Classification: Uncertain significance for CHRNA4-related condition. Last evaluated: 2025-04-16. Review status: criteria provided, single submitter. Criteria: ACMG Guidelines, 2015. Collection method: clinical testing. Allele origin: germline.
Comment: The CHRNA4 c.926A>G variant is predicted to result in the amino acid substitution p.Tyr309Cys. To our knowledge, this variant has not been reported in the literature or in a large population database (gnomAD), indicating this variant is rare. At this time, the clinical significance of this variant is uncertain due to the absence of conclusive functional and genetic evidence.

NM_000744.7(CHRNA4):c.926A>G (p.Tyr309Cys)

Gene: CHRNA4 (cholinergic receptor nicotinic alpha 4 subunit; minus strand). Cytogenetic location: 20q13.33.
Variant type: single nucleotide variant.
Coding change: c.926A>G on transcript NM_000744.7 (MANE Select); coding-DNA position 926, A replaced by G.
Protein change: p.Tyr309Cys; replaces tyrosine 309 with cysteine.
Molecular consequence: missense variant. On other transcripts: non-coding transcript variant (1).
Genome position (GRCh38, 1-based): chr20:63,350,485, T>C on the plus strand (A>G on the coding strand, the complement: CHRNA4 is on the minus strand). VCF-style: chr20-63350485-T-C. GRCh37 (hg19) VCF-style: chr20-61981837-T-C.
Other names: c.398A>G, p.Tyr133Cys (NM_001256573.2); short protein forms Y309C, Y133C.
Identifiers: ClinVar variation 5000323 (VCV005000323.1).